The following is an entry in ClinVar:

ClinVar aggregate classification (germline): Benign/Likely benign. Review status: criteria provided, multiple submitters, no conflicts (2 of 4 stars). 5 submissions from 5 submitters: Benign (1); Likely benign (3). 1 of the submissions does not count toward it. Last evaluated 2025-06-16.

Conditions:
Reticular dysgenesis. Also called: ALEUKOCYTOSIS; CONGENITAL ALEUKIA; HEMATOPOIETIC HYPOPLASIA, GENERALIZED; RETICULAR DYSGENESIA; SEVERE COMBINED IMMUNODEFICIENCY WITH LEUKOPENIA; DeVaal disease. Identifiers: Orphanet 33355, MedGen C0272167, MONDO:0009973, OMIM 267500.
AK2-related disorder. Also called: AK2-related condition.

Allele frequency attached by ClinVar (database versions not stated): gnomAD exomes 0.00027 and 0.00036; 1000 Genomes Project 30x 0.00031; gnomAD 0.00033 and 0.00034; ExAC 0.00035; 1000 Genomes Project 0.00040; ESP Exome Variant Server 0.00046.
gnomAD v4.1: 569 of 1,614,170 alleles (0.035%); highest among the groups gnomAD compares: Non-Finnish European, 0.044%; no homozygotes.

Submissions (5):

Labcorp Genetics (formerly Invitae), Labcorp
Classification: Likely benign for Reticular dysgenesis. Last evaluated: 2025-06-16. Review status: criteria provided, single submitter. Criteria: Invitae Variant Classification Sherloc (09022015). Collection method: clinical testing. Allele origin: germline.

Laboratory of Genetics, Children's Clinical University Hospital Latvia
Classification: Benign. Last evaluated: 2025-02-16. Review status: criteria provided, single submitter. Criteria: ACMG Guidelines, 2015. Collection method: clinical testing. Allele origin: germline. Affected: yes.

Blueprint Genetics
Classification: Likely benign. Last evaluated: 2024-11-21. Review status: criteria provided, single submitter. Criteria: ACMG Guidelines, 2015. Collection method: clinical testing. Allele origin: germline.

CeGaT Center for Human Genetics Tuebingen
Classification: Likely benign. Last evaluated: 2023-08-01. Review status: criteria provided, single submitter. Criteria: CeGaT Center For Human Genetics Tuebingen Variant Classification Criteria Version 2. Collection method: clinical testing. Allele origin: germline. Affected: yes. Observed: 2 variant alleles.
Comment: AK2: BP4, BP7

PreventionGenetics, part of Exact Sciences
Classification: Likely benign for AK2-related condition. Last evaluated: 2023-07-18. Review status: no assertion criteria provided. Collection method: clinical testing. Allele origin: germline. Not counted in ClinVar's aggregate classification.
Comment: This variant is classified as likely benign based on ACMG/AMP sequence variant interpretation guidelines (Richards et al. 2015 PMID: 25741868, with internal and published modifications).

NM_001625.4(AK2):c.603C>T (p.Tyr201=)

Gene: AK2 (adenylate kinase 2; minus strand). Cytogenetic location: 1p35.1.
Variant type: single nucleotide variant.
Coding change: c.603C>T on transcript NM_001625.4 (MANE Select); coding-DNA position 603, C replaced by T.
Protein change: p.Tyr201=; no amino-acid change (tyrosine 201 retained).
Molecular consequence: synonymous variant. On other transcripts: 3 prime UTR variant (1), non-coding transcript variant (1).
Genome position (GRCh38, 1-based): chr1:33,013,298, G>A on the plus strand (C>T on the coding strand, the complement: AK2 is on the minus strand). VCF-style: chr1-33013298-G-A. GRCh37 (hg19) VCF-style: chr1-33478899-G-A.
Other names: c.579C>T, p.Tyr193= (NM_001199199.3); c.459C>T, p.Tyr153= (NM_001319139.3, NM_001319140.2); c.603C>T, p.Tyr201= (NM_001319141.3, NM_013411.5); c.477C>T, p.Tyr159= (NM_001319142.3); c.*106C>T (NM_001319143.2).
Identifiers: ClinVar variation 529738 (VCV000529738.38), dbSNP rs138151595, ClinGen allele CA747060.
Genomic context (GRCh38, chr1:33,013,298, plus strand): 5'-TGCGAACACGACATCGGGGGTCTGGGATGCATCGATGGCGGAGTGGATCCCCCGTTTCCT[G>A]TAGTACTCTATGAGTGGGGTGGTTTGAGTGTGGTAGGCTTGCAGGCGGATTTTCAAGGCC-3'
Protein context (NP_001616.1, residues 191-211): HTQTTPLIEY[Tyr201=]RKRGIHSAID